The following is an entry in ClinVar:

ClinVar aggregate classification (germline): Uncertain significance. Review status: criteria provided, single submitter (1 of 4 stars). 2 submissions from 2 submitters: Uncertain significance (1). 1 of the submissions does not count toward it. Last evaluated 2025-09-05.

Conditions:
Inborn genetic diseases. Identifiers: MedGen C0950123, MeSH D030342.
BBS1-related disorder. Also called: BBS1-related condition.

gnomAD v4.1: 1 of 1,614,240 alleles (0.000062%); highest among the groups gnomAD compares: Admixed American, 0.0017%; no homozygotes.

Submissions (2):

Ambry Genetics
Classification: Uncertain significance for Inborn genetic diseases. Last evaluated: 2025-09-05. Review status: criteria provided, single submitter. Criteria: Ambry Variant Classification Scheme 2023. Collection method: clinical testing. Allele origin: germline.

PreventionGenetics, part of Exact Sciences
Classification: Uncertain significance for BBS1-related condition. Last evaluated: 2024-07-22. Review status: no assertion criteria provided. Collection method: clinical testing. Allele origin: germline. Not counted in ClinVar's aggregate classification.
Comment: The BBS1 c.775G>T variant is predicted to result in the amino acid substitution p.Val259Phe. To our knowledge, this variant has not been reported in the literature. This variant is reported in 0.0029% of alleles in individuals of Latino descent in gnomAD. At this time, the clinical significance of this variant is uncertain due to the absence of conclusive functional and genetic evidence.

NM_024649.5(BBS1):c.775G>T (p.Val259Phe)

Genes: BBS1 (Bardet-Biedl syndrome 1; plus strand), ZDHHC24 (zDHHC palmitoyltransferase 24; minus strand). Cytogenetic location: 11q13.2.
Variant type: single nucleotide variant.
Coding change: c.775G>T on transcript NM_024649.5 (MANE Select); coding-DNA position 775, G replaced by T.
Protein change: p.Val259Phe; replaces valine 259 with phenylalanine.
Molecular consequence: missense variant. On other transcripts: 3 prime UTR variant (1).
Genome position (GRCh38, 1-based): chr11:66,521,321, G>T. VCF-style: chr11-66521321-G-T. GRCh37 (hg19) VCF-style: chr11-66288792-G-T.
Other names: c.*167C>A (NM_001348571.2); short protein forms V259F.
Identifiers: ClinVar variation 3350483 (VCV003350483.2).